The following is an entry in ClinVar:

ClinVar aggregate classification (germline): Uncertain significance (1 of 4 stars; one submission).

Conditions:
Benign recurrent intrahepatic cholestasis type 1. Also called: SUMMERSKILL SYNDROME; Mild-to-Moderate ATP8B1 Deficiency (Benign Recurrent Intrahepatic Cholestasis 1 [BRIC1]). Identifiers: Orphanet 65682, Orphanet 99960, MedGen C4551899, MONDO:0009469, OMIM 243300.

Submission:

Juno Genomics, Hangzhou Juno Genomics, Inc
Classification: Uncertain significance for Benign recurrent intrahepatic cholestasis type 1. Review status: criteria provided, single submitter. Criteria: ACMG Guidelines, 2015. Collection method: clinical testing. Allele origin: germline. Affected: yes.
Comment: Absent from controls (or at extremely low frequency if recessive) in Genome Aggregation Database, Exome Sequencing Project, 1000 Genomes Project, or Exome Aggregation Consortium.;Multiple lines of computational evidence support a deleterious effect on the gene or gene product (conservation, evolutionary, splicing impact, etc).;For recessive disorders, detected in trans with a pathogenic variant.;Patient's phenotype or family history is highly specific for a disease with a single genetic etiology.

NM_001374385.1(ATP8B1):c.1219A>C (p.Ser407Arg)

Gene: ATP8B1 (ATPase phospholipid transporting 8B1; minus strand). Cytogenetic location: 18q21.31.
Variant type: single nucleotide variant.
Coding change: c.1219A>C on transcript NM_001374385.1 (MANE Select); coding-DNA position 1219, A replaced by C.
Protein change: p.Ser407Arg; replaces serine 407 with arginine.
Molecular consequence: missense variant.
Genome position (GRCh38, 1-based): chr18:57,691,808, T>G on the plus strand (A>C on the coding strand, the complement: ATP8B1 is on the minus strand). VCF-style: chr18-57691808-T-G. GRCh37 (hg19) VCF-style: chr18-55359040-T-G.
Other names: c.1069A>C, p.Ser357Arg (NM_001374386.1); c.1219A>C, p.Ser407Arg (NM_005603.6); short protein forms S357R, S407R.
Identifiers: ClinVar variation 3382606 (VCV003382606.2).